The following is an entry in ClinVar:

NM_006005.3(WFS1):c.1935G>T (p.Leu645=)

Gene: WFS1 (wolframin ER transmembrane glycoprotein; plus strand). Cytogenetic location: 4p16.1.
Variant type: single nucleotide variant.
Coding change: c.1935G>T on transcript NM_006005.3 (MANE Select); coding-DNA position 1935, G replaced by T.
Protein change: p.Leu645=; no amino-acid change (leucine 645 retained).
Molecular consequence: synonymous variant.
Genome position (GRCh38, 1-based): chr4:6,301,730, G>T. VCF-style: chr4-6301730-G-T. GRCh37 (hg19) VCF-style: chr4-6303457-G-T.
Other names: c.1935G>T, p.Leu645= (NM_001145853.1).
Identifiers: ClinVar variation 179507 (VCV000179507.13), dbSNP rs727504912, ClinGen allele CA184559.
Genomic context (GRCh38, chr4:6,301,730, plus strand): 5'-GTCCCTGACGCGGAGCTCCATGGTCAAGCTCATCCTGGTGTGGCTCACGGCCATCGTGCT[G>T]TTCTGCTGGTTCTATGTGTACCGCTCAGAGGGCATGAAGGTCTACAACTCCACACTGACC-3'
Protein context (NP_005996.2, residues 635-655): LILVWLTAIV[Leu645=]FCWFYVYRSE

ClinVar aggregate classification (germline): Benign/Likely benign. Review status: criteria provided, multiple submitters, no conflicts (2 of 4 stars). 5 submissions from 5 submitters: Benign (1); Likely benign (4). Last evaluated 2023-12-04.

Conditions:
Wolfram syndrome 1 (WFS1). Identifiers: Orphanet 3463, MedGen C4551693, MONDO:0009101, OMIM 222300.

Allele frequency attached by ClinVar (database versions not stated): gnomAD 0.00002; TOPMed 0.00002.
gnomAD v4.1: 87 of 1,613,870 alleles (0.0054%); highest among the groups gnomAD compares: Non-Finnish European, 0.0074%; no homozygotes.

Submissions (5):

Labcorp Genetics (formerly Invitae), Labcorp
Classification: Likely benign. Last evaluated: 2023-12-04. Review status: criteria provided, single submitter. Criteria: Invitae Variant Classification Sherloc (09022015). Collection method: clinical testing. Allele origin: germline.

GeneDx
Classification: Likely benign. Last evaluated: 2019-11-01. Review status: criteria provided, single submitter. Criteria: GeneDx Variant Classification Process June 2021. Collection method: clinical testing. Allele origin: germline. Affected: yes.

Blueprint Genetics
Classification: Likely benign. Last evaluated: 2019-10-10. Review status: criteria provided, single submitter. Criteria: ACMG Guidelines, 2015. Collection method: clinical testing. Allele origin: germline.

Laboratory for Molecular Medicine, Mass General Brigham Personalized Medicine
Classification: Likely benign. Last evaluated: 2014-01-13. Review status: criteria provided, single submitter. Criteria: LMM Criteria. Collection method: clinical testing. Allele origin: germline. Observed: 1 variant allele.
Comment: p.Leu645Leu in exon 8 of WFS1: This variant is not expected to have clinical sig nificance because it does not alter an amino acid residue and is not located wit hin the splice consensus sequence.

Clinical Genomics, Uppaluri K&H Personalized Medicine Clinic
Classification: Benign for Wolfram syndrome 1. Review status: criteria provided, single submitter. Criteria: K & H Uppaluri Personalized Medicine Clinic Variant Classification & Assertion Criteria_Updated V.1. Collection method: research. Allele origin: unknown. Inheritance: Autosomal recessive inheritance.
Comment: Potent mutations in WFS1 gene are associated with Wolfram's syndrome, an autosomal recessive condition, which cause diabetes mellitus, diabetes insipidus, deafness and optic atrophy. However no sufficient evidence is found to ascertain the role of this particular variant rs727504912 in Wolfram's syndrome yet.

Literature cited by the submitters: PubMed 20738327 (cited by Clinical Genomics, Uppaluri K&H Personalized Medicine Clinic); PubMed 33879153 (cited by Clinical Genomics, Uppaluri K&H Personalized Medicine Clinic); PubMed 12955714 (cited by Clinical Genomics, Uppaluri K&H Personalized Medicine Clinic); PubMed 18060660 (cited by Clinical Genomics, Uppaluri K&H Personalized Medicine Clinic); PubMed 20301750 (cited by Clinical Genomics, Uppaluri K&H Personalized Medicine Clinic); PubMed 17603484 (cited by Clinical Genomics, Uppaluri K&H Personalized Medicine Clinic).